The following is an entry in ClinVar:

ClinVar aggregate classification (germline): Benign/Likely benign. Review status: criteria provided, multiple submitters, no conflicts (2 of 4 stars). 5 submissions from 5 submitters: Benign (1); Likely benign (3). 1 of the submissions does not count toward it. Last evaluated 2026-01-15.

Conditions:
AGRN-related disorder. Also called: AGRN-related condition.
Congenital myasthenic syndrome 8. Also called: MYASTHENIC SYNDROME, CONGENITAL, DUE TO AGRIN DEFICIENCY; Myasthenic syndrome, congenital, 8, with pre- and postsynaptic defects. Identifiers: Orphanet 590, MedGen C3808739, MONDO:0014052, OMIM 615120.

Allele frequency attached by ClinVar (database versions not stated): gnomAD exomes 0.00005 and 0.00013; 1000 Genomes Project 30x 0.00016; 1000 Genomes Project 0.00020; ExAC 0.00040; ESP Exome Variant Server 0.00055; gnomAD 0.00064 and 0.00070; TOPMed 0.00066.

Submissions (5):

Labcorp Genetics (formerly Invitae), Labcorp
Classification: Benign for Congenital myasthenic syndrome 8. Last evaluated: 2026-01-15. Review status: criteria provided, single submitter. Criteria: Invitae Variant Classification Sherloc (09022015). Collection method: clinical testing. Allele origin: germline.

Mayo Clinic Laboratories, Mayo Clinic
Classification: Likely benign. Last evaluated: 2025-04-02. Review status: criteria provided, single submitter. Criteria: ACMG Guidelines, 2015. Collection method: clinical testing. Allele origin: germline. Observed: 1 variant allele.
Comment: BP4, BP7

Blueprint Genetics
Classification: Likely benign. Last evaluated: 2024-09-20. Review status: criteria provided, single submitter. Criteria: ACMG Guidelines, 2015. Collection method: clinical testing. Allele origin: germline.

GeneDx
Classification: Likely benign. Last evaluated: 2016-11-10. Review status: criteria provided, single submitter. Criteria: GeneDx Variant Classification (06012015). Collection method: clinical testing. Allele origin: germline. Affected: yes.
Comment: This variant is considered likely benign or benign based on one or more of the following criteria: it is a conservative change, it occurs at a poorly conserved position in the protein, it is predicted to be benign by multiple in silico algorithms, and/or has population frequency not consistent with disease.

PreventionGenetics, part of Exact Sciences
Classification: Likely benign for AGRN-related condition. Last evaluated: 2019-05-08. Review status: no assertion criteria provided. Collection method: clinical testing. Allele origin: germline. Not counted in ClinVar's aggregate classification.
Comment: This variant is classified as likely benign based on ACMG/AMP sequence variant interpretation guidelines (Richards et al. 2015 PMID: 25741868, with internal and published modifications).

NM_198576.4(AGRN):c.3819C>T (p.Ala1273=)

Gene: AGRN (agrin; plus strand). Cytogenetic location: 1p36.33.
Variant type: single nucleotide variant.
Coding change: c.3819C>T on transcript NM_198576.4 (MANE Select); coding-DNA position 3819, C replaced by T.
Protein change: p.Ala1273=; no amino-acid change (alanine 1273 retained).
Molecular consequence: synonymous variant.
Genome position (GRCh38, 1-based): chr1:1,048,079, C>T. VCF-style: chr1-1048079-C-T. GRCh37 (hg19) VCF-style: chr1-983459-C-T.
Other names: p.Ala1273=; c.3819C>T, p.Ala1273= (NM_001305275.2); c.3504C>T, p.Ala1168= (NM_001364727.2).
Identifiers: ClinVar variation 390522 (VCV000390522.17), dbSNP rs142597617, ClinGen allele CA509251.